The following is an entry in ClinVar:

NM_205861.3(DHDDS):c.282_283insCTGAATGCGTA (p.Asp95delinsLeuAsnAlaTer)

Gene: DHDDS (dehydrodolichyl diphosphate synthase subunit; plus strand). Cytogenetic location: 1p36.11.
Variant type: Insertion.
Coding change: c.282_283insCTGAATGCGTA on transcript NM_205861.3 (MANE Select); coding-DNA positions 282 to 283, CTGAATGCGTA inserted.
Protein change: p.Asp95delinsLeuAsnAlaTer.
Molecular consequence: nonsense.
Genome position: GRCh38 VCF-style: chr1-26442832-G-GCTGAATGCGTA. GRCh37 (hg19) VCF-style: chr1-26769323-G-GCTGAATGCGTA.
Other names: c.282_283insCTGAATGCGTA, p.Asp95delinsLeuAsnAlaTer (NM_001243564.2, NM_001243565.2, NM_024887.4); c.3_4insCTGAATGCGTA, p.Asp2delinsLeuAsnAlaTer (NM_001319959.2).
Identifiers: ClinVar variation 5010455 (VCV005010455.1).

ClinVar aggregate classification (germline): Pathogenic (1 of 4 stars; one submission).

Conditions:
Retinitis pigmentosa 59 (RP59). Identifiers: Orphanet 791, MedGen C3151227, MONDO:0013468, OMIM 613861.

Submission:

Myriad Genetics, Inc.
Classification: Pathogenic for Retinitis pigmentosa 59. Last evaluated: 2024-05-14. Review status: criteria provided, single submitter. Criteria: Myriad Autosomal Dominant, Autosomal Recessive and X-Linked Classification Criteria (2023). Collection method: clinical testing. Allele origin: unknown.
Comment: NM_024887.3(DHDDS):c.282_283ins11(D95Lfs*4) is expected to be pathogenic in the context of retinitis pigmentosa, DHDDS-related. This variant is predicted to lead to an abnormal or absent protein product due to the creation of a premature termination codon in DHDDS, a gene where loss-of-function variants are known to be pathogenic. Please note: this variant was assessed in the context of healthy population screening.